The following is an entry in ClinVar:

NM_138295.5(PKD1L1):c.895G>C (p.Glu299Gln)

Gene: PKD1L1 (polycystin 1 like 1, transient receptor potential channel interacting; minus strand). Cytogenetic location: 7p12.3.
Variant type: single nucleotide variant.
Coding change: c.895G>C on transcript NM_138295.5 (MANE Select); coding-DNA position 895, G replaced by C.
Protein change: p.Glu299Gln; replaces glutamic acid 299 with glutamine.
Molecular consequence: missense variant.
Genome position (GRCh38, 1-based): chr7:47,929,369, C>G on the plus strand (G>C on the coding strand, the complement: PKD1L1 is on the minus strand). VCF-style: chr7-47929369-C-G. GRCh37 (hg19) VCF-style: chr7-47968966-C-G.
Other names: short protein forms E299Q.
Identifiers: ClinVar variation 3889325 (VCV003889325.3).

ClinVar aggregate classification (germline): Uncertain significance. Review status: criteria provided, multiple submitters, no conflicts (2 of 4 stars). 3 submissions from 3 submitters: Uncertain significance (3). Last evaluated 2025-11-18.

Conditions:
PKD1L1-related disorder. Also called: PKD1L1-related condition.
Inborn genetic diseases. Identifiers: MedGen C0950123, MeSH D030342.

gnomAD v4.1: 9 of 1,614,072 alleles (0.00056%); highest among the groups gnomAD compares: Middle Eastern, 0.016%; no homozygotes.

Submissions (3):

Labcorp Genetics (formerly Invitae), Labcorp
Classification: Uncertain significance. Last evaluated: 2025-11-18. Review status: criteria provided, single submitter. Criteria: Invitae Variant Classification Sherloc (09022015). Collection method: clinical testing. Allele origin: germline.
Comment: This sequence change replaces glutamic acid, which is acidic and polar, with glutamine, which is neutral and polar, at codon 299 of the PKD1L1 protein (p.Glu299Gln). This variant is present in population databases (rs753239445, gnomAD 0.0009%). This variant has not been reported in the literature in individuals affected with PKD1L1-related conditions. ClinVar contains an entry for this variant (Variation ID: 3889325). An algorithm developed to predict the effect of missense changes on protein structure and function (PolyPhen-2) suggests that this variant is likely to be tolerated. In summary, the available evidence is currently insufficient to determine the role of this variant in disease. Therefore, it has been classified as a Variant of Uncertain Significance.

Ambry Genetics
Classification: Uncertain significance for Inborn genetic diseases. Last evaluated: 2025-02-01. Review status: criteria provided, single submitter. Criteria: Ambry Variant Classification Scheme 2023. Collection method: clinical testing. Allele origin: germline.

PreventionGenetics, part of Exact Sciences
Classification: Uncertain significance for PKD1L1-related condition. Last evaluated: 2025-01-29. Review status: criteria provided, single submitter. Criteria: ACMG Guidelines, 2015. Collection method: clinical testing. Allele origin: germline.
Comment: The PKD1L1 c.895G>C variant is predicted to result in the amino acid substitution p.Glu299Gln. To our knowledge, this variant has not been reported in the literature. This variant is reported in 0.00088% of alleles in individuals of European (Non-Finnish) descent in gnomAD. At this time, the clinical significance of this variant is uncertain due to the absence of conclusive functional and genetic evidence.